The following is an entry in ClinVar:

ClinVar aggregate classification (germline): Uncertain significance (1 of 4 stars; one submission).

Conditions:
Charcot-Marie-Tooth disease axonal type 2O. Also called: CHARCOT-MARIE-TOOTH NEUROPATHY, AXONAL, TYPE 2O; CHARCOT-MARIE-TOOTH DISEASE, AXONAL, AUTOSOMAL DOMINANT, TYPE 2O; Charcot-Marie-Tooth Neuropathy Type 2O; Charcot-Marie-Tooth disease, axonal, type 20. Identifiers: Orphanet 284232, MedGen C3280220, MONDO:0013644, OMIM 614228.

Submission:

Labcorp Genetics (formerly Invitae), Labcorp
Classification: Uncertain significance for Charcot-Marie-Tooth disease axonal type 2O. Last evaluated: 2024-02-07. Review status: criteria provided, single submitter. Criteria: Invitae Variant Classification Sherloc (09022015). Collection method: clinical testing. Allele origin: germline.
Comment: This sequence change creates a premature translational stop signal (p.Glu2242*) in the DYNC1H1 gene. It is expected to result in an absent or disrupted protein product. However, the current clinical and genetic evidence is not sufficient to establish whether loss-of-function variants in DYNC1H1 cause disease. This variant is not present in population databases (gnomAD no frequency). This variant has not been reported in the literature in individuals affected with DYNC1H1-related conditions. In summary, the available evidence is currently insufficient to determine the role of this variant in disease. Therefore, it has been classified as a Variant of Uncertain Significance.

NM_001376.5(DYNC1H1):c.6724G>T (p.Glu2242Ter)

Gene: DYNC1H1 (dynein cytoplasmic 1 heavy chain 1; plus strand). Cytogenetic location: 14q32.31.
Variant type: single nucleotide variant.
Coding change: c.6724G>T on transcript NM_001376.5 (MANE Select); coding-DNA position 6724, G replaced by T.
Protein change: p.Glu2242Ter; replaces glutamic acid 2242 with a stop codon.
Molecular consequence: nonsense.
Genome position (GRCh38, 1-based): chr14:102,011,980, G>T. VCF-style: chr14-102011980-G-T. GRCh37 (hg19) VCF-style: chr14-102478317-G-T.
Other names: short protein forms E2242*.
Identifiers: ClinVar variation 2844417 (VCV002844417.3), dbSNP rs2503756580, ClinGen allele CA391057494.